The following is an entry in ClinVar:

ClinVar aggregate classification (germline): Uncertain significance (1 of 4 stars; one submission).

Conditions:
Fanconi anemia (FA). Also called: Fanconi's anemia. Identifiers: Orphanet 84, MedGen C0015625, MeSH D005199, MONDO:0019391.

Allele frequency attached by ClinVar (database versions not stated): TOPMed below 0.00001.

Submission:

Labcorp Genetics (formerly Invitae), Labcorp
Classification: Uncertain significance for Fanconi anemia. Last evaluated: 2026-01-19. Review status: criteria provided, single submitter. Criteria: Invitae Variant Classification Sherloc (09022015). Collection method: clinical testing. Allele origin: germline.
Comment: This sequence change replaces alanine, which is neutral and non-polar, with glycine, which is neutral and non-polar, at codon 61 of the FANCM protein (p.Ala61Gly). This variant is not present in population databases (gnomAD no frequency). This variant has not been reported in the literature in individuals affected with FANCM-related conditions. ClinVar contains an entry for this variant (Variation ID: 3001206). An algorithm developed to predict the effect of missense changes on protein structure and function (PolyPhen-2) suggests that this variant is likely to be tolerated. In summary, the available evidence is currently insufficient to determine the role of this variant in disease. Therefore, it has been classified as a Variant of Uncertain Significance.

NM_020937.4(FANCM):c.182C>G (p.Ala61Gly)

Gene: FANCM (FA complementation group M; plus strand). Cytogenetic location: 14q21.2.
Variant type: single nucleotide variant.
Coding change: c.182C>G on transcript NM_020937.4 (MANE Select); coding-DNA position 182, C replaced by G.
Protein change: p.Ala61Gly; replaces alanine 61 with glycine.
Molecular consequence: missense variant.
Genome position (GRCh38, 1-based): chr14:45,136,213, C>G. VCF-style: chr14-45136213-C-G. GRCh37 (hg19) VCF-style: chr14-45605416-C-G.
Other names: c.182C>G, p.Ala61Gly (NM_001308133.2, NM_001308134.2); short protein forms A61G.
Identifiers: ClinVar variation 3001206 (VCV003001206.3), dbSNP rs1417766415, ClinGen allele CA389587298.